The following is an entry in ClinVar:

NM_194277.3(FRMD7):c.450C>A (p.Asn150Lys)

Gene: FRMD7 (FERM domain containing 7; minus strand). Cytogenetic location: Xq26.2.
Variant type: single nucleotide variant.
Coding change: c.450C>A on transcript NM_194277.3 (MANE Select); coding-DNA position 450, C replaced by A.
Protein change: p.Asn150Lys; replaces asparagine 150 with lysine.
Molecular consequence: missense variant.
Genome position (GRCh38, 1-based): chrX:132,085,967, G>T on the plus strand (C>A on the coding strand, the complement: FRMD7 is on the minus strand). VCF-style: chrX-132085967-G-T. GRCh37 (hg19) VCF-style: chrX-131219995-G-T.
Other names: c.450C>A (NM_194277.2); c.405C>A, p.Asn135Lys (NM_001306193.2); short protein forms N135K, N150K.
Identifiers: ClinVar variation 1170403 (VCV001170403.13), dbSNP rs145552208, ClinGen allele CA10519044.

ClinVar aggregate classification (germline): Conflicting classifications of pathogenicity. Review status: criteria provided, conflicting classifications (1 of 4 stars). 4 submissions from 4 submitters: Uncertain significance (1); Benign (1); Likely benign (1). 1 of the submissions does not count toward it. Last evaluated 2025-11-27.

Conditions:
Inborn genetic diseases. Identifiers: MedGen C0950123, MeSH D030342.
FRMD7-related disorder. Also called: FRMD7-related condition.

Allele frequency attached by ClinVar (database versions not stated): gnomAD exomes 0.00010 and 0.00021; ExAC 0.00011; TOPMed 0.00012; gnomAD 0.00016; 1000 Genomes Project 30x 0.00021; 1000 Genomes Project 0.00026; ESP Exome Variant Server 0.00028.
gnomAD v4.1: 245 of 1,205,421 alleles (0.02%); highest among the groups gnomAD compares: Non-Finnish European, 0.026%; no homozygotes.

Submissions (4):

Labcorp Genetics (formerly Invitae), Labcorp
Classification: Benign. Last evaluated: 2025-11-27. Review status: criteria provided, single submitter. Criteria: Invitae Variant Classification Sherloc (09022015). Collection method: clinical testing. Allele origin: germline.

Ambry Genetics
Classification: Uncertain significance for Inborn genetic diseases. Last evaluated: 2025-08-29. Review status: criteria provided, single submitter. Criteria: Ambry Variant Classification Scheme 2023. Collection method: clinical testing. Allele origin: germline.

Blueprint Genetics
Classification: Likely benign. Last evaluated: 2024-06-21. Review status: criteria provided, single submitter. Criteria: ACMG Guidelines, 2015. Collection method: clinical testing. Allele origin: germline.

PreventionGenetics, part of Exact Sciences
Classification: Likely benign for FRMD7-related condition. Last evaluated: 2022-10-26. Review status: no assertion criteria provided. Collection method: clinical testing. Allele origin: germline. Not counted in ClinVar's aggregate classification.
Comment: This variant is classified as likely benign based on ACMG/AMP sequence variant interpretation guidelines (Richards et al. 2015 PMID: 25741868, with internal and published modifications).